The following is an entry in ClinVar:

ClinVar aggregate classification (germline): Uncertain significance (1 of 4 stars; one submission).

Submission:

Mayo Clinic Laboratories, Mayo Clinic
Classification: Uncertain significance. Last evaluated: 2024-04-09. Review status: criteria provided, single submitter. Criteria: ACMG Guidelines, 2015. Collection method: clinical testing. Allele origin: germline. Observed: 1 variant allele.
Comment: BP4, PM2

NM_138694.4(PKHD1):c.10340A>G (p.Asn3447Ser)

Gene: PKHD1 (PKHD1 ciliary IPT domain containing fibrocystin/polyductin; minus strand). Cytogenetic location: 6p12.3.
Variant type: single nucleotide variant.
Coding change: c.10340A>G on transcript NM_138694.4 (MANE Select); coding-DNA position 10340, A replaced by G.
Protein change: p.Asn3447Ser; replaces asparagine 3447 with serine.
Molecular consequence: missense variant.
Genome position (GRCh38, 1-based): chr6:51,659,786, T>C on the plus strand (A>G on the coding strand, the complement: PKHD1 is on the minus strand). VCF-style: chr6-51659786-T-C. GRCh37 (hg19) VCF-style: chr6-51524584-T-C.
Other names: p.Asn3447Ser; short protein forms N3447S.
Identifiers: ClinVar variation 3379680 (VCV003379680.1).
Genomic context (GRCh38, chr6:51,659,786, plus strand): 5'-TGCCTGATGGGTAAGATAGAATAGAAAGTAGACACTGACCCAGAAGTAGAGCAGGGAATA[T>C]TGGCATTTACACTGCTAAAGACATCAACAAAACCACTAGTCACAGATACAACTGGATATA-3'
Protein context (NP_619639.3, residues 3437-3457): FVDVFSSVNA[Asn3447Ser]IPCSTSGSVS